The following is an entry in ClinVar:

ClinVar aggregate classification (germline): Likely benign (1 of 4 stars; one submission).

Conditions:
ATM-related disorder. Also called: ATM-related disorders; ATM-related condition.

gnomAD v4.1: 1 of 152,128 alleles (0.00066%); highest among the groups gnomAD compares: Admixed American, 0.0066%; no homozygotes.

Submission:

PreventionGenetics, part of Exact Sciences
Classification: Likely benign for ATM-related condition. Last evaluated: 2025-08-07. Review status: criteria provided, single submitter. Criteria: ACMG Guidelines, 2015. Collection method: clinical testing. Allele origin: germline.
Comment: This variant is classified as likely benign based on ACMG/AMP sequence variant interpretation guidelines (Richards et al. 2015 PMID: 25741868, with internal and published modifications).

NM_000051.4(ATM):c.2466+1553A>G

Gene: ATM (ATM serine/threonine kinase; plus strand). Cytogenetic location: 11q22.3.
Variant type: single nucleotide variant.
Coding change: c.2466+1553A>G on transcript NM_000051.4 (MANE Select); 1553 bases into the intron after coding-DNA position 2466, A replaced by G.
Molecular consequence: intron variant.
Genome position (GRCh38, 1-based): chr11:108,260,628, A>G. VCF-style: chr11-108260628-A-G. GRCh37 (hg19) VCF-style: chr11-108131355-A-G.
Other names: c.2466+1553A>G (NM_001351834.2).
Identifiers: ClinVar variation 5002569 (VCV005002569.1).